The following is an entry in ClinVar:

NM_004329.3(BMPR1A):c.598A>G (p.Ile200Val)

Gene: BMPR1A (bone morphogenetic protein receptor type 1A; plus strand). Cytogenetic location: 10q23.2.
Variant type: single nucleotide variant.
Coding change: c.598A>G on transcript NM_004329.3 (MANE Select); coding-DNA position 598, A replaced by G.
Protein change: p.Ile200Val; replaces isoleucine 200 with valine.
Molecular consequence: missense variant.
Genome position (GRCh38, 1-based): chr10:86,912,307, A>G. VCF-style: chr10-86912307-A-G. GRCh37 (hg19) VCF-style: chr10-88672064-A-G.
Other names: c.673A>G, p.Ile225Val (NM_001406559.1); c.646A>G, p.Ile216Val (NM_001406560.1); c.598A>G, p.Ile200Val (NM_001406561.1, NM_001406562.1, NM_001406563.1 and 20 more transcripts); c.514A>G, p.Ile172Val (NM_001406584.1, NM_001406585.1, NM_001406586.1 and 2 more transcripts); short protein forms I216V, I172V, I200V, I225V.
Identifiers: ClinVar variation 1750876 (VCV001750876.4), dbSNP rs2539573149, ClinGen allele CA377454670.

ClinVar aggregate classification (germline): Uncertain significance. Review status: criteria provided, multiple submitters, no conflicts (2 of 4 stars). 2 submissions from 2 submitters: Uncertain significance (2). Last evaluated 2024-12-24.

Conditions:
Juvenile polyposis syndrome (JPS). Identifiers: Orphanet 2929, MedGen C0345893, MONDO:0017380, OMIM 174900.
Hereditary cancer-predisposing syndrome. Also called: Neoplastic Syndromes, Hereditary; Tumor predisposition; Hereditary neoplastic syndrome; Hereditary Cancer Syndrome. Identifiers: Orphanet 140162, MedGen C0027672, MeSH D009386, MONDO:0015356.

Submissions (2):

Labcorp Genetics (formerly Invitae), Labcorp
Classification: Uncertain significance for Juvenile polyposis syndrome. Last evaluated: 2024-12-24. Review status: criteria provided, single submitter. Criteria: Invitae Variant Classification Sherloc (09022015). Collection method: clinical testing. Allele origin: germline.
Comment: This sequence change replaces isoleucine, which is neutral and non-polar, with valine, which is neutral and non-polar, at codon 200 of the BMPR1A protein (p.Ile200Val). This variant is not present in population databases (gnomAD no frequency). This variant has not been reported in the literature in individuals affected with BMPR1A-related conditions. ClinVar contains an entry for this variant (Variation ID: 1750876). Invitae Evidence Modeling of protein sequence and biophysical properties (such as structural, functional, and spatial information, amino acid conservation, physicochemical variation, residue mobility, and thermodynamic stability) indicates that this missense variant is not expected to disrupt BMPR1A protein function with a negative predictive value of 80%. In summary, the available evidence is currently insufficient to determine the role of this variant in disease. Therefore, it has been classified as a Variant of Uncertain Significance.

Ambry Genetics
Classification: Uncertain significance for Hereditary cancer-predisposing syndrome. Last evaluated: 2020-11-18. Review status: criteria provided, single submitter. Criteria: Ambry Variant Classification Scheme 2023. Collection method: clinical testing. Allele origin: germline.
Comment: The p.I200V variant (also known as c.598A>G), located in coding exon 6 of the BMPR1A gene, results from an A to G substitution at nucleotide position 598. The isoleucine at codon 200 is replaced by valine, an amino acid with highly similar properties. This amino acid position is highly conserved in available vertebrate species. In addition, the in silico prediction for this alteration is inconclusive. Since supporting evidence is limited at this time, the clinical significance of this alteration remains unclear.